The following is an entry in ClinVar:

NM_000268.4(NF2):c.1738-5T>C

Gene: NF2 (NF2, moesin-ezrin-radixin like (MERLIN) tumor suppressor; plus strand). Cytogenetic location: 22q12.2.
Variant type: single nucleotide variant.
Coding change: c.1738-5T>C on transcript NM_000268.4 (MANE Select); 5 bases into the intron before coding-DNA position 1738, T replaced by C.
Molecular consequence: intron variant.
Genome position (GRCh38, 1-based): chr22:29,694,747, T>C. VCF-style: chr22-29694747-T-C. GRCh37 (hg19) VCF-style: chr22-30090736-T-C.
Other names: c.*10-5T>C (NM_016418.5, NM_001407056.1, NM_001407067.1 and 5 more transcripts); c.1624-5T>C (NM_001407053.1); c.*25-5T>C (NM_181832.3, NM_001407058.1, NM_001407063.1); c.1575-5T>C (NM_001407060.1); c.1603-5T>C (NM_001407057.1); c.448-5T>C (NM_181833.3); c.1615-5T>C (NM_001407054.1); c.1480-5T>C (NM_001407062.1); and 2 more.
Identifiers: ClinVar variation 3231089 (VCV003231089.1), dbSNP rs2518807534, ClinGen allele CA2825002870.

ClinVar aggregate classification (germline): Uncertain significance (1 of 4 stars; one submission).

Conditions:
Hereditary cancer-predisposing syndrome. Also called: Neoplastic Syndromes, Hereditary; Tumor predisposition; Hereditary neoplastic syndrome; Hereditary Cancer Syndrome. Identifiers: Orphanet 140162, MedGen C0027672, MeSH D009386, MONDO:0015356.

Submission:

Ambry Genetics
Classification: Uncertain significance for Hereditary cancer-predisposing syndrome. Last evaluated: 2024-02-27. Review status: criteria provided, single submitter. Criteria: Ambry Variant Classification Scheme 2023. Collection method: clinical testing. Allele origin: germline.
Comment: The c.1738-5T>C intronic variant results from a T to C substitution 5 nucleotides before coding exon 16 in the NF2 gene. This nucleotide position is highly conserved in available vertebrate species. In silico splice site analysis predicts that this alteration may weaken the native splice acceptor site; however, direct evidence is insufficient at this time (Ambry internal data). Based on the available evidence, the clinical significance of this alteration remains unclear.